The following is an entry in ClinVar:

NM_000260.4(MYO7A):c.3193A>G (p.Ser1065Gly)

Gene: MYO7A (myosin VIIA; plus strand). Cytogenetic location: 11q13.5.
Variant type: single nucleotide variant.
Coding change: c.3193A>G on transcript NM_000260.4 (MANE Select); coding-DNA position 3193, A replaced by G.
Protein change: p.Ser1065Gly; replaces serine 1065 with glycine.
Molecular consequence: missense variant.
Genome position (GRCh38, 1-based): chr11:77,182,508, A>G. VCF-style: chr11-77182508-A-G. GRCh37 (hg19) VCF-style: chr11-76893553-A-G.
Other names: c.3193A>G, p.Ser1065Gly (NM_001127180.2); c.3160A>G, p.Ser1054Gly (NM_001369365.1); short protein forms S1054G, S1065G.
Identifiers: ClinVar variation 1021937 (VCV001021937.7), dbSNP rs763798045, ClinGen allele CA6198007.

ClinVar aggregate classification (germline): Uncertain significance. Review status: criteria provided, single submitter (1 of 4 stars). 2 submissions from 2 submitters: Uncertain significance (1). 1 of the submissions does not count toward it. Last evaluated 2021-09-01.

Conditions:
Usher syndrome type 1B (USH1B). Also called: Usher syndrome type IB. Identifiers: MedGen C1848638, MONDO:0700087.

Allele frequency attached by ClinVar (database versions not stated): gnomAD exomes below 0.00001; ExAC 0.00001.
gnomAD v4.1: 17 of 1,612,136 alleles (0.0011%); highest among the groups gnomAD compares: Non-Finnish European, 0.0014%; no homozygotes.

Submissions (2):

Labcorp Genetics (formerly Invitae), Labcorp
Classification: Uncertain significance. Last evaluated: 2021-09-01. Review status: criteria provided, single submitter. Criteria: Invitae Variant Classification Sherloc (09022015). Collection method: clinical testing. Allele origin: germline.
Comment: This sequence change replaces serine with glycine at codon 1065 of the MYO7A protein (p.Ser1065Gly). The serine residue is moderately conserved and there is a small physicochemical difference between serine and glycine. This variant is present in population databases (rs763798045, ExAC 0.002%). This variant has not been reported in the literature in individuals affected with MYO7A-related conditions. Advanced modeling of protein sequence and biophysical properties (such as structural, functional, and spatial information, amino acid conservation, physicochemical variation, residue mobility, and thermodynamic stability) performed at Invitae indicates that this missense variant is not expected to disrupt MYO7A protein function. Algorithms developed to predict the effect of sequence changes on RNA splicing suggest that this variant may create or strengthen a splice site. In summary, the available evidence is currently insufficient to determine the role of this variant in disease. Therefore, it has been classified as a Variant of Uncertain Significance.

Natera, Inc.
Classification: Uncertain significance for Usher syndrome type 1B. Last evaluated: 2021-10-03. Review status: no assertion criteria provided. Collection method: clinical testing. Allele origin: germline. Not counted in ClinVar's aggregate classification.